The following is an entry in ClinVar:

NM_002296.4(LBR):c.1071G>A (p.Ser357=)

Gene: LBR (lamin B receptor; minus strand). Cytogenetic location: 1q42.12.
Variant type: single nucleotide variant.
Coding change: c.1071G>A on transcript NM_002296.4 (MANE Select); coding-DNA position 1071, G replaced by A.
Protein change: p.Ser357=; no amino-acid change (serine 357 retained).
Molecular consequence: synonymous variant.
Genome position (GRCh38, 1-based): chr1:225,412,467, C>T on the plus strand (G>A on the coding strand, the complement: LBR is on the minus strand). VCF-style: chr1-225412467-C-T. GRCh37 (hg19) VCF-style: chr1-225600169-C-T.
Other names: c.1071G>A, p.Ser357= (NM_194442.3).
Identifiers: ClinVar variation 295936 (VCV000295936.20), dbSNP rs112582692, ClinGen allele CA1417254.

ClinVar aggregate classification (germline): Benign. Review status: criteria provided, multiple submitters, no conflicts (2 of 4 stars). 6 submissions from 6 submitters: Benign (6). Last evaluated 2026-02-03.

Conditions:
Connective tissue disorder. Also called: Connective tissue disease. Identifiers: MedGen C0009782, MONDO:0003900.
Greenberg dysplasia (GRBGD). Also called: CHONDRODYSTROPHY, HYDROPIC AND PRENATALLY LETHAL TYPE; MOTH-EATEN SKELETAL DYSPLASIA; HEM SKELETAL DYSPLASIA. Identifiers: Orphanet 1426, MedGen C2931048, MONDO:0008974, OMIM 215140.

Allele frequency attached by ClinVar (database versions not stated): 1000 Genomes Project 30x 0.02858; 1000 Genomes Project 0.02955; TOPMed 0.03412; ESP Exome Variant Server 0.03852; gnomAD 0.03981 and 0.04009; gnomAD exomes 0.04656 and 0.04941; ExAC 0.04812.
gnomAD v4.1: 78,218 of 1,613,868 alleles (4.8%); highest among the groups gnomAD compares: South Asian, 5.6%; 2,075 homozygotes.

Submissions (6):

Labcorp Genetics (formerly Invitae), Labcorp
Classification: Benign. Last evaluated: 2026-02-03. Review status: criteria provided, single submitter. Criteria: Invitae Variant Classification Sherloc (09022015). Collection method: clinical testing. Allele origin: germline.

Genome Diagnostics Laboratory, The Hospital for Sick Children
Classification: Benign for Connective tissue disorder. Last evaluated: 2022-07-14. Review status: criteria provided, single submitter. Criteria: ACMG Guidelines, 2015. Collection method: clinical testing. Allele origin: germline.

GeneDx
Classification: Benign. Last evaluated: 2018-09-21. Review status: criteria provided, single submitter. Criteria: GeneDx Variant Classification Process June 2021. Collection method: clinical testing. Allele origin: germline. Affected: yes.

Athena Diagnostics
Classification: Benign. Last evaluated: 2018-05-05. Review status: criteria provided, single submitter. Criteria: Athena Diagnostics Criteria. Collection method: clinical testing. Allele origin: germline.

Illumina Laboratory Services, Illumina
Classification: Benign for Greenberg dysplasia. Last evaluated: 2018-01-13. Review status: criteria provided, single submitter. Criteria: ICSL Variant Classification Criteria 13 December 2019. Collection method: clinical testing. Allele origin: germline.
Comment: This variant was observed in the ICSL laboratory as part of a predisposition screen in an ostensibly healthy population. It had not been previously curated by ICSL or reported in the Human Gene Mutation Database (HGMD: prior to June 1st, 2018), and was therefore a candidate for classification through an automated scoring system. Utilizing variant allele frequency, disease prevalence and penetrance estimates, and inheritance mode, an automated score was calculated to assess if this variant is too frequent to cause the disease. Based on the score and internal cut-off values, a variant classified as benign is not then subjected to further curation. The score for this variant resulted in a classification of benign for this disease.

Breakthrough Genomics
Classification: Benign. Review status: criteria provided, single submitter. Criteria: ACMG Guidelines, 2015. Collection method: not provided. Allele origin: germline. Inheritance: Autosomal recessive inheritance. Affected: yes.